The following is an entry in ClinVar:

ClinVar aggregate classification (germline): Uncertain significance (1 of 4 stars; one submission).

Allele frequency attached by ClinVar (database versions not stated): TOPMed 0.00001; gnomAD exomes 0.00002; ExAC 0.00007.
gnomAD v4.1: 22 of 1,608,534 alleles (0.0014%); highest among the groups gnomAD compares: Non-Finnish European, 0.0016%; no homozygotes.

Submission:

Labcorp Genetics (formerly Invitae), Labcorp
Classification: Uncertain significance. Last evaluated: 2023-11-10. Review status: criteria provided, single submitter. Criteria: Invitae Variant Classification Sherloc (09022015). Collection method: clinical testing. Allele origin: germline.
Comment: This sequence change replaces arginine, which is basic and polar, with lysine, which is basic and polar, at codon 578 of the CEP89 protein (p.Arg578Lys). This variant also falls at the last nucleotide of exon 15, which is part of the consensus splice site for this exon. This variant is present in population databases (rs772833328, gnomAD 0.006%). This variant has not been reported in the literature in individuals affected with CEP89-related conditions. An algorithm developed to predict the effect of missense changes on protein structure and function (PolyPhen-2) suggests that this variant is likely to be disruptive. Variants that disrupt the consensus splice site are a relatively common cause of aberrant splicing (PMID: 17576681, 9536098). Algorithms developed to predict the effect of sequence changes on RNA splicing suggest that this variant may disrupt the consensus splice site. In summary, the available evidence is currently insufficient to determine the role of this variant in disease. Therefore, it has been classified as a Variant of Uncertain Significance.

Literature cited by the submitters: PubMed 17576681; PubMed 9536098.

NM_032816.5(CEP89):c.1733G>A (p.Arg578Lys)

Gene: CEP89 (centrosomal protein 89; minus strand). Cytogenetic location: 19q13.11.
Variant type: single nucleotide variant.
Coding change: c.1733G>A on transcript NM_032816.5 (MANE Select); coding-DNA position 1733, G replaced by A.
Protein change: p.Arg578Lys; replaces arginine 578 with lysine.
Molecular consequence: missense variant.
Genome position (GRCh38, 1-based): chr19:32,901,245, C>T on the plus strand (G>A on the coding strand, the complement: CEP89 is on the minus strand). VCF-style: chr19-32901245-C-T. GRCh37 (hg19) VCF-style: chr19-33392151-C-T.
Other names: short protein forms R578K.
Identifiers: ClinVar variation 2763733 (VCV002763733.3), dbSNP rs772833328, ClinGen allele CA9359196.